The following is an entry in ClinVar:

ClinVar aggregate classification (germline): Uncertain significance (1 of 4 stars; one submission).

Submission:

Ambry Genetics
Classification: Uncertain significance. Last evaluated: 2021-08-24. Review status: criteria provided, single submitter. Criteria: Ambry Variant Classification Scheme 2023. Collection method: clinical testing. Allele origin: germline.
Comment: The p.A854E variant (also known as c.2561C>A), located in coding exon 13 of the PALLD gene, results from a C to A substitution at nucleotide position 2561. The alanine at codon 854 is replaced by glutamic acid, an amino acid with dissimilar properties. This amino acid position is conserved. In addition, this alteration is predicted to be tolerated by in silico analysis. Since supporting evidence is limited at this time, the clinical significance of this alteration remains unclear.

NM_001166108.2(PALLD):c.2612C>A (p.Ala871Glu)

Genes: CBR4 (carbonyl reductase 4; minus strand), PALLD (palladin, cytoskeletal associated protein; plus strand). Cytogenetic location: 4q32.3.
Variant type: single nucleotide variant.
Coding change: c.2612C>A on transcript NM_001166108.2 (MANE Select); coding-DNA position 2612, C replaced by A.
Protein change: p.Ala871Glu; replaces alanine 871 with glutamic acid.
Molecular consequence: missense variant.
Genome position (GRCh38, 1-based): chr4:168,903,896, C>A. VCF-style: chr4-168903896-C-A. GRCh37 (hg19) VCF-style: chr4-169825047-C-A.
Other names: c.1415C>A, p.Ala472Glu (NM_001166109.2); c.1100C>A, p.Ala367Glu (NM_001166110.2); c.440C>A, p.Ala147Glu (NM_001367567.1, NM_001367569.1); c.491C>A, p.Ala164Glu (NM_001367568.1, NM_001367570.1); c.2561C>A, p.Ala854Glu (NM_016081.4); short protein forms A147E, A472E, A854E, A164E, A367E, A871E.
Identifiers: ClinVar variation 1793118 (VCV001793118.2), dbSNP rs1582042270, ClinGen allele CA358799538.